The following is an entry in ClinVar:

ClinVar aggregate classification (germline): Uncertain significance. Review status: criteria provided, multiple submitters, no conflicts (2 of 4 stars). 2 submissions from 2 submitters: Uncertain significance (2). Last evaluated 2024-06-25.

Conditions:
Cardiovascular phenotype. Identifiers: MedGen CN230736.
Myofibrillar myopathy 4. Also called: Zaspopathy (type). Identifiers: Orphanet 98912, MedGen C4721886, MONDO:0012277, OMIM 609452.

Allele frequency attached by ClinVar (database versions not stated): gnomAD 0.00001.

Submissions (2):

Labcorp Genetics (formerly Invitae), Labcorp
Classification: Uncertain significance for Myofibrillar myopathy 4. Last evaluated: 2024-06-25. Review status: criteria provided, single submitter. Criteria: Invitae Variant Classification Sherloc (09022015). Collection method: clinical testing. Allele origin: germline.
Comment: The LDB3 gene has multiple clinically relevant transcripts. This variant occurs in alternate transcript NM_007078.3, and corresponds to NM_001080116.1:c.*33598T>C in the primary transcript. This sequence change replaces leucine, which is neutral and non-polar, with serine, which is neutral and polar, at codon 727 of the LDB3 protein (p.Leu727Ser). The frequency data for this variant in the population databases is considered unreliable, as metrics indicate poor data quality at this position in the gnomAD database. This variant has not been reported in the literature in individuals affected with LDB3-related conditions. Experimental studies and prediction algorithms are not available or were not evaluated, and the functional significance of this variant is currently unknown. In summary, the available evidence is currently insufficient to determine the role of this variant in disease. Therefore, it has been classified as a Variant of Uncertain Significance.

Ambry Genetics
Classification: Uncertain significance for Cardiovascular phenotype. Last evaluated: 2019-08-12. Review status: criteria provided, single submitter. Criteria: Ambry Variant Classification Scheme 2023. Collection method: clinical testing. Allele origin: germline.
Comment: The p.L727S variant (also known as c.2180T>C), located in coding exon 13 of the LDB3 gene, results from a T to C substitution at nucleotide position 2180. The leucine at codon 727 is replaced by serine, an amino acid with dissimilar properties. This amino acid position is poorly conserved in available vertebrate species. In addition, this alteration is predicted to be tolerated by in silico analysis. Since supporting evidence is limited at this time, the clinical significance of this alteration remains unclear.

NM_007078.3(LDB3):c.2180T>C (p.Leu727Ser)

Gene: LDB3 (LIM domain binding 3; plus strand). Cytogenetic location: 10q23.2.
Variant type: single nucleotide variant.
Coding change: c.2180T>C on transcript NM_007078.3 (MANE Select); coding-DNA position 2180, T replaced by C.
Protein change: p.Leu727Ser; replaces leucine 727 with serine.
Molecular consequence: missense variant.
Genome position (GRCh38, 1-based): chr10:86,732,972, T>C. VCF-style: chr10-86732972-T-C. GRCh37 (hg19) VCF-style: chr10-88492729-T-C.
Other names: c.1850T>C, p.Leu617Ser (NM_001080114.2); c.2195T>C, p.Leu732Ser (NM_001171610.2); c.1991T>C, p.Leu664Ser (NM_001368064.1, NM_001368065.1); c.2039T>C, p.Leu680Ser (NM_001368066.1); short protein forms L617S, L664S, L680S, L727S, L732S.
Identifiers: ClinVar variation 1787267 (VCV001787267.5), dbSNP rs1447748712, ClinGen allele CA377460574.
Genomic context (GRCh38, chr10:86,732,972, plus strand): 5'-AGCCGTTCTACTCCAAGAAGGACAGACCCCTGTGCAAGAAGCACGCACACACCATCAACT[T>C]GTAGGCGGCCAAGGCCGCCTGTGCTGACGAGGCCCGGAGCTGCTCCTGCTGCTGGCAACA-3'
Protein context (NP_009009.1, residues 717-727): LCKKHAHTIN[Leu727Ser]